The following is an entry in ClinVar:

ClinVar aggregate classification (germline): Conflicting classifications of pathogenicity. Review status: criteria provided, conflicting classifications (1 of 4 stars). 3 submissions from 3 submitters: Pathogenic (1); Uncertain significance (2). Last evaluated 2025-12-08.

Conditions:
Dilated cardiomyopathy 1DD (CMD1DD). Identifiers: Orphanet 154, MedGen C2750995, MONDO:0013168, OMIM 613172.
Cardiovascular phenotype. Identifiers: MedGen CN230736.

Allele frequency attached by ClinVar (database versions not stated): gnomAD 0.00001.

Submissions (3):

Labcorp Genetics (formerly Invitae), Labcorp
Classification: Pathogenic for Dilated cardiomyopathy 1DD. Last evaluated: 2025-12-08. Review status: criteria provided, single submitter. Criteria: Invitae Variant Classification Sherloc (09022015). Collection method: clinical testing. Allele origin: germline.
Comment: This sequence change creates a premature translational stop signal (p.Arg1069Glyfs*35) in the RBM20 gene. It is expected to result in an absent or disrupted protein product. Loss-of-function variants in RBM20 are known to be pathogenic (PMID: 20590677, 22004663, 38288598, 38510713, 40339755). This variant is not present in population databases (gnomAD no frequency). This variant has not been reported in the literature in individuals affected with RBM20-related conditions. ClinVar contains an entry for this variant (Variation ID: 1211519). For these reasons, this variant has been classified as Pathogenic.

Ambry Genetics
Classification: Uncertain significance for Cardiovascular phenotype. Last evaluated: 2023-12-20. Review status: criteria provided, single submitter. Criteria: Ambry Variant Classification Scheme 2023. Collection method: clinical testing. Allele origin: germline.
Comment: The c.3205delA variant, located in coding exon 11 of the RBM20 gene, results from a deletion of one nucleotide at nucleotide position 3205, causing a translational frameshift with a predicted alternate stop codon (p.R1069Gfs*35). This alteration is expected to result in protein truncation or nonsense-mediated mRNA decay. However, loss of function of RBM20 has not been established as a mechanism of disease. Since supporting evidence is limited at this time, the clinical significance of this alteration remains unclear.

GeneDx
Classification: Uncertain significance. Last evaluated: 2019-12-03. Review status: criteria provided, single submitter. Criteria: GeneDx Variant Classification Process June 2021. Collection method: clinical testing. Allele origin: germline. Affected: yes.
Comment: Has not been previously published as pathogenic or benign to our knowledge; Not observed in large population cohorts (Lek et al., 2016); Frameshift variant predicted to result in protein truncation or nonsense mediated decay in a gene for which loss-of-function is not a known mechanism of disease

Literature cited by the submitters: PubMed 20590677 (cited by Labcorp Genetics (formerly Invitae), Labcorp); PubMed 22004663 (cited by Labcorp Genetics (formerly Invitae), Labcorp); PubMed 38288598 (cited by Labcorp Genetics (formerly Invitae), Labcorp); PubMed 38510713 (cited by Labcorp Genetics (formerly Invitae), Labcorp); PubMed 40339755 (cited by Labcorp Genetics (formerly Invitae), Labcorp).

NM_001134363.3(RBM20):c.3205del (p.Arg1069fs)

Gene: RBM20 (RNA binding motif protein 20; plus strand). Cytogenetic location: 10q25.2.
Variant type: Deletion.
Coding change: c.3205del on transcript NM_001134363.3 (MANE Select); coding-DNA position 3205, one base deleted (A; older notation c.3205delA).
Protein change: p.Arg1069fs; shifts the reading frame from arginine 1069.
Molecular consequence: frameshift variant.
Genome position (GRCh38, 1-based): chr10:110,821,824, A deleted. VCF-style (leftmost placement, unchanged base first): chr10-110821823-CA-C. GRCh37 (hg19) VCF-style: chr10-112581581-CA-C.
Other names: short protein forms R1069fs.
Identifiers: ClinVar variation 1211519 (VCV001211519.7), dbSNP rs1844916553, ClinGen allele CA932531807.